The following is an entry in ClinVar:

NM_006096.4(NDRG1):c.314C>T (p.Ser105Phe)

Gene: NDRG1 (N-myc downstream regulated 1; minus strand). Cytogenetic location: 8q24.22.
Variant type: single nucleotide variant.
Coding change: c.314C>T on transcript NM_006096.4 (MANE Select); coding-DNA position 314, C replaced by T.
Protein change: p.Ser105Phe; replaces serine 105 with phenylalanine.
Molecular consequence: missense variant.
Genome position (GRCh38, 1-based): chr8:133,262,059, G>A on the plus strand (C>T on the coding strand, the complement: NDRG1 is on the minus strand). VCF-style: chr8-133262059-G-A. GRCh37 (hg19) VCF-style: chr8-134274302-G-A.
Other names: c.314C>T, p.Ser105Phe (NM_001135242.2, NM_001374844.1, NM_001374845.1 and 1 more transcripts); c.116C>T, p.Ser39Phe (NM_001258432.2, NM_001374847.1); c.71C>T, p.Ser24Phe (NM_001258433.2); short protein forms S105F, S24F, S39F.
Identifiers: ClinVar variation 1525880 (VCV001525880.6), dbSNP rs570291930, ClinGen allele CA186382761.

ClinVar aggregate classification (germline): Uncertain significance (1 of 4 stars; one submission).

Conditions:
Charcot-Marie-Tooth disease type 4. Also called: Charcot-Marie-Tooth disease, type IV; Charcot-Marie-Tooth, Type 4. Identifiers: Orphanet 64749, MedGen C4082197, MONDO:0018995.

gnomAD v4.1: 1 of 1,612,514 alleles (0.000062%); no homozygotes.

Submission:

Labcorp Genetics (formerly Invitae), Labcorp
Classification: Uncertain significance for Charcot-Marie-Tooth disease type 4. Last evaluated: 2022-09-12. Review status: criteria provided, single submitter. Criteria: Invitae Variant Classification Sherloc (09022015). Collection method: clinical testing. Allele origin: germline.
Comment: ClinVar contains an entry for this variant (Variation ID: 1525880). Advanced modeling of protein sequence and biophysical properties (such as structural, functional, and spatial information, amino acid conservation, physicochemical variation, residue mobility, and thermodynamic stability) performed at Invitae indicates that this missense variant is not expected to disrupt NDRG1 protein function. In summary, the available evidence is currently insufficient to determine the role of this variant in disease. Therefore, it has been classified as a Variant of Uncertain Significance. This variant has not been reported in the literature in individuals affected with NDRG1-related conditions. This variant is not present in population databases (gnomAD no frequency). This sequence change replaces serine, which is neutral and polar, with phenylalanine, which is neutral and non-polar, at codon 105 of the NDRG1 protein (p.Ser105Phe).